The following is an entry in ClinVar:

ClinVar aggregate classification (germline): Uncertain significance (1 of 4 stars; one submission).

Submission:

Labcorp Genetics (formerly Invitae), Labcorp
Classification: Uncertain significance. Last evaluated: 2025-10-17. Review status: criteria provided, single submitter. Criteria: Invitae Variant Classification Sherloc (09022015). Collection method: clinical testing. Allele origin: germline.
Comment: This sequence change replaces glycine, which is neutral and non-polar, with alanine, which is neutral and non-polar, at codon 741 of the ZBTB20 protein (p.Gly741Ala). This variant is not present in population databases (gnomAD no frequency). This variant has not been reported in the literature in individuals affected with ZBTB20-related conditions. Invitae Evidence Modeling of protein sequence and biophysical properties (such as structural, functional, and spatial information, amino acid conservation, physicochemical variation, residue mobility, and thermodynamic stability) indicates that this missense variant is not expected to disrupt ZBTB20 protein function with a negative predictive value of 95%. In summary, the available evidence is currently insufficient to determine the role of this variant in disease. Therefore, it has been classified as a Variant of Uncertain Significance.

NM_001348800.3(ZBTB20):c.2222G>C (p.Gly741Ala)

Gene: ZBTB20 (zinc finger and BTB domain containing 20; minus strand). Cytogenetic location: 3q13.31.
Variant type: single nucleotide variant.
Coding change: c.2222G>C on transcript NM_001348800.3 (MANE Select); coding-DNA position 2222, G replaced by C.
Protein change: p.Gly741Ala; replaces glycine 741 with alanine.
Molecular consequence: missense variant. On other transcripts: non-coding transcript variant (1).
Genome position (GRCh38, 1-based): chr3:114,339,009, C>G on the plus strand (G>C on the coding strand, the complement: ZBTB20 is on the minus strand). VCF-style: chr3-114339009-C-G. GRCh37 (hg19) VCF-style: chr3-114057856-C-G.
Other names: c.2222G>C, p.Gly741Ala (NM_001164342.2, NM_001348803.3, NM_001393393.1 and 1 more transcripts); c.2003G>C, p.Gly668Ala (NM_001164343.2, NM_001164344.4, NM_001164345.4 and 9 more transcripts); short protein forms G668A, G741A.
Identifiers: ClinVar variation 4703023 (VCV004703023.1).